The following is an entry in ClinVar:

ClinVar aggregate classification (germline): Conflicting classifications of pathogenicity. Review status: criteria provided, conflicting classifications (1 of 4 stars). 2 submissions from 2 submitters: Uncertain significance (1); Likely benign (1). Last evaluated 2026-01-26.

Conditions:
Severe combined immunodeficiency due to DNA-PKcs deficiency. Also called: IMMUNODEFICIENCY 26 WITH NEUROLOGIC ABNORMALITIES; Immunodeficiency 26 with or without neurologic abnormalities. Identifiers: Orphanet 317425, MedGen C4014833, MONDO:0014423, OMIM 615966.

Allele frequency attached by ClinVar (database versions not stated): ExAC 0.00008; gnomAD exomes 0.00008 and 0.00017; gnomAD 0.00009; TOPMed 0.00009.
gnomAD v4.1: 143 of 1,607,764 alleles (0.0089%); highest among the groups gnomAD compares: Admixed American, 0.022%; 1 homozygote.

Submissions (2):

Labcorp Genetics (formerly Invitae), Labcorp
Classification: Likely benign for Severe combined immunodeficiency due to DNA-PKcs deficiency. Last evaluated: 2026-01-26. Review status: criteria provided, single submitter. Criteria: Invitae Variant Classification Sherloc (09022015). Collection method: clinical testing. Allele origin: germline.

Ambry Genetics
Classification: Uncertain significance. Last evaluated: 2021-12-30. Review status: criteria provided, single submitter. Criteria: Ambry Variant Classification Scheme 2023. Collection method: clinical testing. Allele origin: germline.
Comment: The p.K1311E variant (also known as c.3931A>G), located in coding exon 32 of the PRKDC gene, results from an A to G substitution at nucleotide position 3931. The lysine at codon 1311 is replaced by glutamic acid, an amino acid with similar properties. This amino acid position is conserved. In addition, this alteration is predicted to be tolerated by in silico analysis. Since supporting evidence is limited at this time, the clinical significance of this alteration remains unclear.

NM_006904.7(PRKDC):c.3931A>G (p.Lys1311Glu)

Gene: PRKDC (protein kinase, DNA-activated, catalytic subunit; minus strand). Cytogenetic location: 8q11.21.
Variant type: single nucleotide variant.
Coding change: c.3931A>G on transcript NM_006904.7 (MANE Select); coding-DNA position 3931, A replaced by G.
Protein change: p.Lys1311Glu; replaces lysine 1311 with glutamic acid.
Molecular consequence: missense variant.
Genome position (GRCh38, 1-based): chr8:47,890,397, T>C on the plus strand (A>G on the coding strand, the complement: PRKDC is on the minus strand). VCF-style: chr8-47890397-T-C. GRCh37 (hg19) VCF-style: chr8-48802958-T-C.
Other names: c.3931A>G, p.Lys1311Glu (NM_001081640.2); short protein forms K1311E.
Identifiers: ClinVar variation 712385 (VCV000712385.12), dbSNP rs764358542, ClinGen allele CA4741051.
Genomic context (GRCh38, chr8:47,890,397, plus strand): 5'-TGTACCTTTCTCCCTCTTGTGGGCTTGTTCTGTTACCTGCTGCCCCAGTGCCAAAGCACT[T>C]TTCTGCTGCTATAATGTCATGCATGGCAATGCTTTCTAAGAAGAAAGCCACTGCTTTCAA-3'
Protein context (NP_008835.5, residues 1301-1321): IAMHDIIAAE[Lys1311Glu]CFGTGAAGNR